The following is an entry in ClinVar:

NM_000059.4(BRCA2):c.8339C>A (p.Ala2780Asp)

Gene: BRCA2 (BRCA2 DNA repair associated; plus strand). Cytogenetic location: 13q13.1.
Variant type: single nucleotide variant.
Coding change: c.8339C>A on transcript NM_000059.4 (MANE Select); coding-DNA position 8339, C replaced by A.
Protein change: p.Ala2780Asp; replaces alanine 2780 with aspartic acid.
Molecular consequence: missense variant.
Genome position (GRCh38, 1-based): chr13:32,370,409, C>A. VCF-style: chr13-32370409-C-A. GRCh37 (hg19) VCF-style: chr13-32944546-C-A.
Other names: short protein forms A2780D.
Identifiers: ClinVar variation 483085 (VCV000483085.6), dbSNP rs1555287606, ClinGen allele CA387752342.

ClinVar aggregate classification (germline): Likely pathogenic (1 of 4 stars; one submission).

Conditions:
Hereditary cancer-predisposing syndrome. Also called: Neoplastic Syndromes, Hereditary; Tumor predisposition; Hereditary Cancer Syndrome; Hereditary neoplastic syndrome. Identifiers: Orphanet 140162, MedGen C0027672, MeSH D009386, MONDO:0015356.

Submission:

Ambry Genetics
Classification: Likely pathogenic for Hereditary cancer-predisposing syndrome. Last evaluated: 2025-03-25. Review status: criteria provided, single submitter. Criteria: Ambry Variant Classification Scheme 2023. Collection method: clinical testing. Allele origin: germline.
Comment: The p.A2780D variant (also known as c.8339C>A), located in coding exon 18 of the BRCA2 gene, results from a C to A substitution at nucleotide position 8339. The alanine at codon 2780 is replaced by aspartic acid, an amino acid with dissimilar properties. This variant was non-functional in a homology-directed DNA repair (HDR) assay (Richardson ME et al. Am J Hum Genet, 2021 03;108:458-468; Hu C et al. Am J Hum Genet . 2024 Mar;111(3):584-593). Two saturation genome editing-based studies, including a haploid cell-survival assay and a humanized mouse embryonic stem cell line assay of drug response and survival, demonstrate that this nucleotide substitution is non-functional (Huang H et al. Nature. 2025 Feb;638(8050):528-537; Sahu S et al. Nature. 2025 Feb;638(8050):538-545). This variant is considered to be rare based on population cohorts in the Genome Aggregation Database (gnomAD). This amino acid position is well conserved in available vertebrate species. In addition, this alteration is predicted to be deleterious by in silico analysis. Based on the majority of available evidence to date, this variant is likely to be pathogenic.

Literature cited by the submitters: PubMed 33609447; PubMed 38417439; PubMed 39779848; PubMed 39779857.